The following is an entry in ClinVar:

NM_024422.6(DSC2):c.1831dup (p.Ser611fs)

Gene: DSC2 (desmocollin 2; minus strand). Cytogenetic location: 18q12.1.
Variant type: Duplication.
Coding change: c.1831dup on transcript NM_024422.6 (MANE Select); coding-DNA position 1831, one base duplicated (A; older notation c.1831dupA).
Protein change: p.Ser611fs; shifts the reading frame from serine 611.
Molecular consequence: frameshift variant.
Genome position (GRCh38, 1-based): chr18:31,074,740, T duplicated on the plus strand (A on the coding strand, the reverse complement: DSC2 is on the minus strand). VCF-style (leftmost placement, unchanged base first): chr18-31074739-C-CT. GRCh37 (hg19) VCF-style: chr18-28654705-C-CT.
Other names: c.1402dup, p.Ser468fs (NM_001406506.1, NM_001406507.1); c.1831dup, p.Ser611fs (NM_004949.5); short protein forms S611fs, S468fs.
Identifiers: ClinVar variation 3688060 (VCV003688060.2).

ClinVar aggregate classification (germline): Pathogenic (1 of 4 stars; one submission).

Conditions:
Arrhythmogenic right ventricular dysplasia 11. Also called: ARRHYTHMOGENIC RIGHT VENTRICULAR DYSPLASIA, FAMILIAL, 11; Arrhythmogenic Right Ventricular Dysplasia/Cardiomyopathy11; Arrhythmogenic right ventricular dysplasia 11 with mild palmoplantar keratoderma and woolly hair. Identifiers: MedGen C1864850, MONDO:0012506, OMIM 610476.

Submission:

Labcorp Genetics (formerly Invitae), Labcorp
Classification: Pathogenic for Arrhythmogenic right ventricular dysplasia 11. Last evaluated: 2024-03-17. Review status: criteria provided, single submitter. Criteria: Invitae Variant Classification Sherloc (09022015). Collection method: clinical testing. Allele origin: germline.
Comment: This sequence change creates a premature translational stop signal (p.Ser611Lysfs*19) in the DSC2 gene. It is expected to result in an absent or disrupted protein product. Loss-of-function variants in DSC2 are known to be pathogenic (PMID: 23911551). This variant is not present in population databases (gnomAD no frequency). This variant has not been reported in the literature in individuals affected with DSC2-related conditions. For these reasons, this variant has been classified as Pathogenic.

Literature cited by the submitters: PubMed 23911551.